The following is an entry in ClinVar:

NM_145868.2(ANXA11):c.259C>A (p.Pro87Thr)

Genes: ANXA11 (annexin A11; minus strand), LOC130004184 (ATAC-STARR-seq lymphoblastoid silent region 2543; plus strand). Cytogenetic location: 10q22.3.
Variant type: single nucleotide variant.
Coding change: c.259C>A on transcript NM_145868.2 (MANE Select); coding-DNA position 259, C replaced by A.
Protein change: p.Pro87Thr; replaces proline 87 with threonine.
Molecular consequence: missense variant.
Genome position (GRCh38, 1-based): chr10:80,169,271, G>T on the plus strand (C>A on the coding strand, the complement: ANXA11 is on the minus strand). VCF-style: chr10-80169271-G-T. GRCh37 (hg19) VCF-style: chr10-81929027-G-T.
Other names: c.259C>A, p.Pro87Thr (NM_001157.3, NM_001278407.2, NM_001278408.2 and 1 more transcripts); c.160C>A, p.Pro54Thr (NM_001278409.2); c.259C>A (NM_145869.1); short protein forms P54T, P87T.
Identifiers: ClinVar variation 2152085 (VCV002152085.5), dbSNP rs766021254, ClinGen allele CA5576327.

ClinVar aggregate classification (germline): Uncertain significance. Review status: criteria provided, multiple submitters, no conflicts (2 of 4 stars). 2 submissions from 2 submitters: Uncertain significance (2). Last evaluated 2025-10-07.

Conditions:
ANXA11-related disorder. Also called: ANXA11-related condition.

Allele frequency attached by ClinVar (database versions not stated): TOPMed 0.00001; ExAC 0.00002; gnomAD 0.00002; gnomAD exomes 0.00002.
gnomAD v4.1: 30 of 1,611,814 alleles (0.0019%); highest among the groups gnomAD compares: Non-Finnish European, 0.0025%; no homozygotes.

Submissions (2):

Labcorp Genetics (formerly Invitae), Labcorp
Classification: Uncertain significance. Last evaluated: 2025-10-07. Review status: criteria provided, single submitter. Criteria: Invitae Variant Classification Sherloc (09022015). Collection method: clinical testing. Allele origin: germline.
Comment: This sequence change replaces proline, which is neutral and non-polar, with threonine, which is neutral and polar, at codon 87 of the ANXA11 protein (p.Pro87Thr). This variant is present in population databases (rs766021254, gnomAD 0.002%). This missense change has been observed in individual(s) with amyotrophic lateral sclerosis (PMID: 29650794). ClinVar contains an entry for this variant (Variation ID: 2152085). Experimental studies and prediction algorithms are not available or were not evaluated, and the functional significance of this variant is currently unknown. In summary, the available evidence is currently insufficient to determine the role of this variant in disease. Therefore, it has been classified as a Variant of Uncertain Significance.

PreventionGenetics, part of Exact Sciences
Classification: Uncertain significance for ANXA11-related condition. Last evaluated: 2024-10-31. Review status: criteria provided, single submitter. Criteria: ACMG Guidelines, 2015. Collection method: clinical testing. Allele origin: germline.
Comment: The ANXA11 c.259C>A variant is predicted to result in the amino acid substitution p.Pro87Thr. This variant was reported as a variant of uncertain significance in an individual with amyotrophic lateral sclerosis (ALS) who also carried a likely pathogenic TARDBP variant (Müller et al. 2018. PubMed ID: 29650794). This variant is reported in 0.0018% of alleles in individuals of European (non-Finnish) descent in gnomAD. At this time, the clinical significance of this variant is uncertain due to the absence of conclusive functional and genetic evidence.

Literature cited by the submitters: PubMed 29650794 (cited by Labcorp Genetics (formerly Invitae), Labcorp).